The following is an entry in ClinVar:

GRCh38/hg38 2q37.3(chr2:242011430-242126251)x1

Genes: LINC01237 (long intergenic non-protein coding RNA 1237; plus strand), LINC01880 (long intergenic non-protein coding RNA 1880; minus strand), LINC01881 (long intergenic non-protein coding RNA 1881; plus strand), LINC03100 (long intergenic non-protein coding RNA 3100; minus strand), LOC122889016 (Sharpr-MPRA regulatory region 9157; plus strand). Cytogenetic location: 2q37.3.
Variant type: copy number loss.
Change: copy number 1 (one copy instead of two) of chr2:242,011,430-242,126,251 (114.8 kb, GRCh38 coordinates, 1-based), cytogenetic band 2q37.3.
Identifiers: ClinVar variation 145508 (VCV000145508.2).

ClinVar aggregate classification (germline): Benign/Likely benign (0 of 4 stars; one submission).

Submission:

ISCA site 4
Classification: Benign/Likely benign. Last evaluated: 2012-09-21. Review status: no assertion criteria provided. Collection method: clinical testing. Allele origin: unknown. Affected: yes. Observed: 9 variant alleles. Clinical features observed: Autism (HP:0000717), Developmental delay AND/OR other significant developmental or morphological phenotypes, Global developmental delay (HP:0001263), Small for gestational age (HP:0001518), Hemangioma (HP:0001028), Arthrogryposis multiplex congenita (HP:0002804), Abnormality of the elbow (HP:0009811), Muscular hypotonia (HP:0001252), Muscular hypotonia of the trunk (HP:0008936), Coarse facial features (HP:0000280), Abnormal facial shape (HP:0001999), Epicanthus (HP:0000286), and 1 more.
Comment: Likely benign (1), Benign (8)

Copy number variation identified through the course of routine clinical cytogenomic testing in postnatal populations, with clinical assertions as classified by the original submitter.